The following is an entry in ClinVar:

NM_152419.3(HGSNAT):c.278C>G (p.Ala93Gly)

Gene: HGSNAT (heparan-alpha-glucosaminide N-acetyltransferase; plus strand). Cytogenetic location: 8p11.21.
Variant type: single nucleotide variant.
Coding change: c.278C>G on transcript NM_152419.3 (MANE Select); coding-DNA position 278, C replaced by G.
Protein change: p.Ala93Gly; replaces alanine 93 with glycine.
Molecular consequence: missense variant. On other transcripts: 5 prime UTR variant (1).
Genome position (GRCh38, 1-based): chr8:43,158,618, C>G. VCF-style: chr8-43158618-C-G. GRCh37 (hg19) VCF-style: chr8-43013761-C-G.
Other names: c.278C>G, p.Ala93Gly (NM_001363227.2, NM_001363228.2); c.-556C>G (NM_001363229.2); short protein forms A93G.
Identifiers: ClinVar variation 1063655 (VCV001063655.2), dbSNP rs372055513, ClinGen allele CA371125115.

ClinVar aggregate classification (germline): Uncertain significance (1 of 4 stars; one submission).

Conditions:
Mucopolysaccharidosis, MPS-III-C (MPS3C). Also called: MPS IIIC (Sanfilippo Syndrome Type C); MUCOPOLYSACCHARIDOSIS, TYPE IIIC; Mucopolysaccharidosis type IIIC (Sanfilippo C); mucopolysaccharidosis type 3C; SANFILIPPO SYNDROME C; MPS III C. Identifiers: Orphanet 581, Orphanet 79271, MedGen C0086649, MONDO:0009657, OMIM 252930.
Retinitis pigmentosa 73 (RP73). Identifiers: Orphanet 791, MedGen C4225287, MONDO:0014687, OMIM 616544.

gnomAD v4.1: 4 of 1,613,958 alleles (0.00025%); highest among the groups gnomAD compares: Non-Finnish European, 0.00034%; no homozygotes.

Submission:

Labcorp Genetics (formerly Invitae), Labcorp
Classification: Uncertain significance for Retinitis pigmentosa 73; Mucopolysaccharidosis, MPS-III-C. Last evaluated: 2021-08-31. Review status: criteria provided, single submitter. Criteria: Invitae Variant Classification Sherloc (09022015). Collection method: clinical testing. Allele origin: germline.
Comment: This sequence change replaces alanine with glycine at codon 93 of the HGSNAT protein (p.Ala93Gly). The alanine residue is weakly conserved and there is a small physicochemical difference between alanine and glycine. This variant is not present in population databases (ExAC no frequency). This variant has not been reported in the literature in individuals affected with HGSNAT-related conditions. Algorithms developed to predict the effect of missense changes on protein structure and function (SIFT, PolyPhen-2, Align-GVGD) all suggest that this variant is likely to be tolerated. In summary, the available evidence is currently insufficient to determine the role of this variant in disease. Therefore, it has been classified as a Variant of Uncertain Significance.